The following is an entry in ClinVar:

NM_000038.6(APC):c.6697A>G (p.Ile2233Val)

Gene: APC (APC regulator of Wnt signaling pathway; plus strand). Cytogenetic location: 5q22.2.
Variant type: single nucleotide variant.
Coding change: c.6697A>G on transcript NM_000038.6 (MANE Select); coding-DNA position 6697, A replaced by G.
Protein change: p.Ile2233Val; replaces isoleucine 2233 with valine.
Molecular consequence: missense variant. On other transcripts: non-coding transcript variant (2).
Genome position (GRCh38, 1-based): chr5:112,842,291, A>G. VCF-style: chr5-112842291-A-G. GRCh37 (hg19) VCF-style: chr5-112177988-A-G.
Other names: c.6697A>G, p.Ile2233Val (NM_001127510.3, NM_001354895.2, NM_001407450.1); c.6643A>G, p.Ile2215Val (NM_001127511.3); c.6751A>G, p.Ile2251Val (NM_001354896.2, NM_001407447.1, NM_001407448.1 and 1 more transcripts); c.6727A>G, p.Ile2243Val (NM_001354897.2); c.6622A>G, p.Ile2208Val (NM_001354898.2); c.6613A>G, p.Ile2205Val (NM_001354899.2); c.6574A>G, p.Ile2192Val (NM_001354900.2); c.6520A>G, p.Ile2174Val (NM_001354901.2, NM_001407453.1); and 11 more; short protein forms I1849V, I1950V, I2073V, I2104V, I2107V, I2132V, I2142V, I2150V.
Identifiers: ClinVar variation 4801511 (VCV004801511.1).
Genomic context (GRCh38, chr5:112,842,291, plus strand): 5'-ATGAAACAGCCCCTTCAAGCAAACATGCCTTCAATCTCTCGAGGCAGGACAATGATTCAT[A>G]TTCCAGGAGTTCGAAATAGCTCCTCAAGTACAAGTCCTGTTTCTAAAAAAGGCCCACCCC-3'
Protein context (NP_000029.2, residues 2223-2243): SISRGRTMIH[Ile2233Val]PGVRNSSSST

ClinVar aggregate classification (germline): Uncertain significance (1 of 4 stars; one submission).

Conditions:
Familial adenomatous polyposis 1 (FAP1). Also called: FAMILIAL ADENOMATOUS POLYPOSIS 1, ATTENUATED; POLYPOSIS, ADENOMATOUS INTESTINAL. Identifiers: MedGen C2713442, MONDO:0021056, OMIM 175100. Disease mechanism: loss of function.

Submission:

Labcorp Genetics (formerly Invitae), Labcorp
Classification: Uncertain significance for Familial adenomatous polyposis 1. Last evaluated: 2025-03-26. Review status: criteria provided, single submitter. Criteria: Invitae Variant Classification Sherloc (09022015). Collection method: clinical testing. Allele origin: germline.
Comment: This sequence change replaces isoleucine, which is neutral and non-polar, with valine, which is neutral and non-polar, at codon 2233 of the APC protein (p.Ile2233Val). This variant is not present in population databases (gnomAD no frequency). This variant has not been reported in the literature in individuals affected with APC-related conditions. Invitae Evidence Modeling of protein sequence and biophysical properties (such as structural, functional, and spatial information, amino acid conservation, physicochemical variation, residue mobility, and thermodynamic stability) indicates that this missense variant is not expected to disrupt APC protein function with a negative predictive value of 95%. In summary, the available evidence is currently insufficient to determine the role of this variant in disease. Therefore, it has been classified as a Variant of Uncertain Significance.